The following is an entry in ClinVar:

NM_031407.7(HUWE1):c.1237T>C (p.Leu413=)

Gene: HUWE1 (HECT, UBA and WWE domain containing E3 ubiquitin protein ligase 1; minus strand). Cytogenetic location: Xp11.22.
Variant type: single nucleotide variant.
Coding change: c.1237T>C on transcript NM_031407.7 (MANE Select); coding-DNA position 1237, T replaced by C.
Protein change: p.Leu413=; no amino-acid change (leucine 413 retained).
Molecular consequence: synonymous variant.
Genome position (GRCh38, 1-based): chrX:53,628,498, A>G on the plus strand (T>C on the coding strand, the complement: HUWE1 is on the minus strand). VCF-style: chrX-53628498-A-G. GRCh37 (hg19) VCF-style: chrX-53655449-A-G.
Identifiers: ClinVar variation 2174381 (VCV002174381.28), dbSNP rs894533651, ClinGen allele CA329191818.

ClinVar aggregate classification (germline): Likely benign. Review status: criteria provided, multiple submitters, no conflicts (2 of 4 stars). 2 submissions from 2 submitters: Likely benign (2). Last evaluated 2022-09-22.

Allele frequency attached by ClinVar (database versions not stated): TOPMed 0.00002; gnomAD 0.00004; gnomAD exomes 0.00010.
gnomAD v4.1: 103 of 1,160,224 alleles (0.0089%); highest among the groups gnomAD compares: Non-Finnish European, 0.012%; no homozygotes.

Submissions (2):

Labcorp Genetics (formerly Invitae), Labcorp
Classification: Likely benign. Last evaluated: 2022-09-22. Review status: criteria provided, single submitter. Criteria: Invitae Variant Classification Sherloc (09022015). Collection method: clinical testing. Allele origin: germline.

CeGaT Center for Human Genetics Tuebingen
Classification: Likely benign. Last evaluated: 2022-09-01. Review status: criteria provided, single submitter. Criteria: CeGaT Center For Human Genetics Tuebingen Variant Classification Criteria Version 2. Collection method: clinical testing. Allele origin: germline. Affected: yes. Observed: 1 variant allele.
Comment: HUWE1: BP4, BP7